The following is an entry in ClinVar:

ClinVar aggregate classification (germline): Benign/Likely benign. Review status: criteria provided, multiple submitters, no conflicts (2 of 4 stars). 4 submissions from 4 submitters: Benign (1); Likely benign (3). Last evaluated 2026-06-16.

Conditions:
Polyps, multiple and recurrent inflammatory fibroid, gastrointestinal. Identifiers: MedGen C5193005, MONDO:0008285, OMIM 175510.
Hereditary cancer-predisposing syndrome. Also called: Tumor predisposition; Hereditary neoplastic syndrome; Hereditary Cancer Syndrome; Neoplastic Syndromes, Hereditary. Identifiers: Orphanet 140162, MedGen C0027672, MeSH D009386, MONDO:0015356.
Gastrointestinal stromal tumor. Also called: Gastrointestinal stromal tumor, somatic; Gastrointestinal stroma tumor. Identifiers: Orphanet 44890, MedGen C0238198, MeSH D046152, MONDO:0011719, OMIM 606764, HP:0100723.

Allele frequency attached by ClinVar (database versions not stated): ExAC 0.00002; gnomAD 0.00002 and 0.00003; gnomAD exomes 0.00002; TOPMed 0.00003.
gnomAD v4.1: 37 of 1,613,982 alleles (0.0023%); highest among the groups gnomAD compares: South Asian, 0.022%; no homozygotes.

Submissions (4):

Myriad Genetics, Inc.
Classification: Benign for Polyps, multiple and recurrent inflammatory fibroid, gastrointestinal. Last evaluated: 2026-06-16. Review status: criteria provided, single submitter. Criteria: Myriad Autosomal Dominant, Autosomal Recessive and X-Linked Classification Criteria (2023). Collection method: clinical testing. Allele origin: unknown.
Comment: This variant is considered benign. This variant is a silent/synonymous amino acid change and it is not expected to impact splicing.

Labcorp Genetics (formerly Invitae), Labcorp
Classification: Likely benign for Gastrointestinal stromal tumor. Last evaluated: 2026-02-04. Review status: criteria provided, single submitter. Criteria: Invitae Variant Classification Sherloc (09022015). Collection method: clinical testing. Allele origin: germline.

CeGaT Center for Human Genetics Tuebingen
Classification: Likely benign. Last evaluated: 2024-12-01. Review status: criteria provided, single submitter. Criteria: CeGaT Center For Human Genetics Tuebingen Variant Classification Criteria Version 2. Collection method: clinical testing. Allele origin: germline. Affected: yes. Observed: 1 variant allele.
Comment: PDGFRA: BP4, BP7

Ambry Genetics
Classification: Likely benign for Hereditary cancer-predisposing syndrome. Last evaluated: 2022-02-12. Review status: criteria provided, single submitter. Criteria: Ambry Variant Classification Scheme 2023. Collection method: clinical testing. Allele origin: germline.

NM_006206.6(PDGFRA):c.834C>T (p.Pro278=)

Gene: PDGFRA (platelet derived growth factor receptor alpha; plus strand). Cytogenetic location: 4q12.
Variant type: single nucleotide variant.
Coding change: c.834C>T on transcript NM_006206.6 (MANE Select); coding-DNA position 834, C replaced by T.
Protein change: p.Pro278=; no amino-acid change (proline 278 retained).
Molecular consequence: synonymous variant.
Genome position (GRCh38, 1-based): chr4:54,267,363, C>T. VCF-style: chr4-54267363-C-T. GRCh37 (hg19) VCF-style: chr4-55133530-C-T.
Other names: c.834C>T, p.Pro278= (NM_001347827.2, NM_001347829.2); c.909C>T, p.Pro303= (NM_001347828.2); c.873C>T, p.Pro291= (NM_001347830.2).
Identifiers: ClinVar variation 414501 (VCV000414501.35), dbSNP rs770523141, ClinGen allele CA2922402.